The following is an entry in ClinVar:

ClinVar aggregate classification (germline): Uncertain significance (1 of 4 stars; one submission).

Conditions:
Hypertrophic cardiomyopathy 14. Identifiers: MedGen C2750467, MONDO:0013197, OMIM 613251.

Submission:

Labcorp Genetics (formerly Invitae), Labcorp
Classification: Uncertain significance for Hypertrophic cardiomyopathy 14. Last evaluated: 2022-01-11. Review status: criteria provided, single submitter. Criteria: Invitae Variant Classification Sherloc (09022015). Collection method: clinical testing. Allele origin: germline.
Comment: Algorithms developed to predict the effect of missense changes on protein structure and function are either unavailable or do not agree on the potential impact of this missense change (SIFT: "Deleterious"; PolyPhen-2: "Probably Damaging"; Align-GVGD: "Class C0"). In summary, the available evidence is currently insufficient to determine the role of this variant in disease. Therefore, it has been classified as a Variant of Uncertain Significance. This variant has not been reported in the literature in individuals affected with MYH6-related conditions. This variant is not present in population databases (gnomAD no frequency). This sequence change replaces glutamine, which is neutral and polar, with histidine, which is basic and polar, at codon 1217 of the MYH6 protein (p.Gln1217His).

NM_002471.4(MYH6):c.3651G>C (p.Gln1217His)

Gene: MYH6 (myosin heavy chain 6; minus strand). Cytogenetic location: 14q11.2.
Variant type: single nucleotide variant.
Coding change: c.3651G>C on transcript NM_002471.4 (MANE Select); coding-DNA position 3651, G replaced by C.
Protein change: p.Gln1217His; replaces glutamine 1217 with histidine.
Molecular consequence: missense variant.
Genome position (GRCh38, 1-based): chr14:23,390,138, C>G on the plus strand (G>C on the coding strand, the complement: MYH6 is on the minus strand). VCF-style: chr14-23390138-C-G. GRCh37 (hg19) VCF-style: chr14-23859347-C-G.
Other names: short protein forms Q1217H.
Identifiers: ClinVar variation 2078675 (VCV002078675.4), dbSNP rs2502159256, ClinGen allele CA389005551.